The following is an entry in ClinVar:

ClinVar aggregate classification (germline): Benign/Likely benign. Review status: criteria provided, multiple submitters, no conflicts (2 of 4 stars). 6 submissions from 6 submitters: Benign (3); Likely benign (2). 1 of the submissions does not count toward it. Last evaluated 2025-09-22.

Conditions:
AUTS2-related disorder. Also called: AUTS2-related condition.

Allele frequency attached by ClinVar (database versions not stated): gnomAD 0.00016 and 0.00037; TOPMed 0.00021; ESP Exome Variant Server 0.00039; gnomAD exomes 0.00053 and 0.00101; 1000 Genomes Project 30x 0.00078; 1000 Genomes Project 0.00080; ExAC 0.00119.
gnomAD v4.1: 825 of 1,612,586 alleles (0.051%); highest among the groups gnomAD compares: South Asian, 0.63%; 6 homozygotes.

Submissions (6):

Labcorp Genetics (formerly Invitae), Labcorp
Classification: Benign. Last evaluated: 2025-09-22. Review status: criteria provided, single submitter. Criteria: Invitae Variant Classification Sherloc (09022015). Collection method: clinical testing. Allele origin: germline.

Blueprint Genetics
Classification: Likely benign. Last evaluated: 2024-11-22. Review status: criteria provided, single submitter. Criteria: ACMG Guidelines, 2015. Collection method: clinical testing. Allele origin: germline.

CeGaT Center for Human Genetics Tuebingen
Classification: Likely benign. Last evaluated: 2024-05-01. Review status: criteria provided, single submitter. Criteria: CeGaT Center For Human Genetics Tuebingen Variant Classification Criteria Version 2. Collection method: clinical testing. Allele origin: germline. Affected: yes. Observed: 5 variant alleles.
Comment: AUTS2: BP4, BP7

GeneDx
Classification: Benign. Last evaluated: 2019-03-07. Review status: criteria provided, single submitter. Criteria: GeneDx Variant Classification Process June 2021. Collection method: clinical testing. Allele origin: germline. Affected: yes.

Breakthrough Genomics
Classification: Benign. Review status: criteria provided, single submitter. Criteria: ACMG Guidelines, 2015. Collection method: not provided. Allele origin: germline. Inheritance: Autosomal dominant inheritance. Affected: yes.

PreventionGenetics, part of Exact Sciences
Classification: Likely benign for AUTS2-related condition. Last evaluated: 2019-03-08. Review status: no assertion criteria provided. Collection method: clinical testing. Allele origin: germline. Not counted in ClinVar's aggregate classification.
Comment: This variant is classified as likely benign based on ACMG/AMP sequence variant interpretation guidelines (Richards et al. 2015 PMID: 25741868, with internal and published modifications).

NM_015570.4(AUTS2):c.3015G>A (p.Pro1005=)

Gene: AUTS2 (activator of transcription and developmental regulator AUTS2; plus strand). Cytogenetic location: 7q11.22.
Variant type: single nucleotide variant.
Coding change: c.3015G>A on transcript NM_015570.4 (MANE Select); coding-DNA position 3015, G replaced by A.
Protein change: p.Pro1005=; no amino-acid change (proline 1005 retained).
Molecular consequence: synonymous variant.
Genome position (GRCh38, 1-based): chr7:70,790,231, G>A. VCF-style: chr7-70790231-G-A. GRCh37 (hg19) VCF-style: chr7-70255217-G-A.
Other names: c.2943G>A, p.Pro981= (NM_001127231.3).
Identifiers: ClinVar variation 707611 (VCV000707611.37), dbSNP rs373113343, ClinGen allele CA4281243.